The following is an entry in ClinVar:

NC_000005.10:g.112707409G>A

Gene: APC (APC regulator of Wnt signaling pathway; plus strand). Cytogenetic location: 5q22.2.
Variant type: single nucleotide variant.
Genome position: GRCh38 VCF-style: chr5-112707409-G-A. GRCh37 (hg19) VCF-style: chr5-112043106-G-A.
Identifiers: ClinVar variation 999245 (VCV000999245.47), dbSNP rs1020543876, ClinGen allele CA124924630.
Genomic context (GRCh38, chr5:112,707,409, plus strand): 5'-ACTGAGACTCGGCTGCCTAGGCAGCAATGGCTCACGGGACAGAACAGCGAAGCAGTGCCC[G>A]GCAAGCGGAGCGCAGCACCCATTGCGCCTGCGCATAACAGGCTCTAGTCTCCGGGCTGTG-3'

ClinVar aggregate classification (germline): Uncertain significance. Review status: criteria provided, multiple submitters, no conflicts (2 of 4 stars). 2 submissions from 2 submitters: Uncertain significance (2). Last evaluated 2025-10-26.

Conditions:
Familial adenomatous polyposis 1 (FAP1). Also called: FAMILIAL ADENOMATOUS POLYPOSIS 1, ATTENUATED; POLYPOSIS, ADENOMATOUS INTESTINAL. Identifiers: MedGen C2713442, MONDO:0021056, OMIM 175100. Disease mechanism: loss of function.

Allele frequency attached by ClinVar (database versions not stated): TOPMed 0.00002.

Submissions (2):

Labcorp Genetics (formerly Invitae), Labcorp
Classification: Uncertain significance for Familial adenomatous polyposis 1. Last evaluated: 2025-10-26. Review status: criteria provided, single submitter. Criteria: Invitae Variant Classification Sherloc (09022015). Collection method: clinical testing. Allele origin: germline.
Comment: This variant occurs in a non-coding region of the APC gene. It does not change the encoded amino acid sequence of the APC protein. This variant is not present in population databases (gnomAD no frequency). This variant has not been reported in the literature in individuals affected with APC-related conditions. Experimental studies and prediction algorithms are not available or were not evaluated, and the functional significance of this variant is currently unknown. In summary, the available evidence is currently insufficient to determine the role of this variant in disease. Therefore, it has been classified as a Variant of Uncertain Significance.

Blueprint Genetics
Classification: Uncertain significance. Last evaluated: 2024-06-10. Review status: criteria provided, single submitter. Criteria: ACMG Guidelines, 2015. Collection method: clinical testing. Allele origin: germline.